The following is an entry in ClinVar:

ClinVar aggregate classification (germline): Uncertain significance (1 of 4 stars; one submission).

Conditions:
Kabuki syndrome. Also called: NIIKAWA-KUROKI SYNDROME; Kabuki make-up syndrome. Identifiers: Orphanet 2322, MedGen C0796004, MONDO:0016512.

Allele frequency attached by ClinVar (database versions not stated): gnomAD exomes below 0.00001.
gnomAD v4.1: 1 of 1,597,476 alleles (0.000063%); highest among the groups gnomAD compares: Non-Finnish European, 0.000085%; no homozygotes.

Submission:

Labcorp Genetics (formerly Invitae), Labcorp
Classification: Uncertain significance for Kabuki syndrome. Last evaluated: 2024-10-29. Review status: criteria provided, single submitter. Criteria: Invitae Variant Classification Sherloc (09022015). Collection method: clinical testing. Allele origin: germline.
Comment: This sequence change replaces glycine, which is neutral and non-polar, with arginine, which is basic and polar, at codon 236 of the KMT2D protein (p.Gly236Arg). This variant is not present in population databases (gnomAD no frequency). This variant has not been reported in the literature in individuals affected with KMT2D-related conditions. ClinVar contains an entry for this variant (Variation ID: 2054229). Invitae Evidence Modeling of protein sequence and biophysical properties (such as structural, functional, and spatial information, amino acid conservation, physicochemical variation, residue mobility, and thermodynamic stability) indicates that this missense variant is not expected to disrupt KMT2D protein function with a negative predictive value of 95%. In summary, the available evidence is currently insufficient to determine the role of this variant in disease. Therefore, it has been classified as a Variant of Uncertain Significance.

NM_003482.4(KMT2D):c.706G>A (p.Gly236Arg)

Gene: KMT2D (lysine methyltransferase 2D; minus strand). Cytogenetic location: 12q13.12.
Variant type: single nucleotide variant.
Coding change: c.706G>A on transcript NM_003482.4 (MANE Select); coding-DNA position 706, G replaced by A.
Protein change: p.Gly236Arg; replaces glycine 236 with arginine.
Molecular consequence: missense variant.
Genome position (GRCh38, 1-based): chr12:49,053,609, C>T on the plus strand (G>A on the coding strand, the complement: KMT2D is on the minus strand). VCF-style: chr12-49053609-C-T. GRCh37 (hg19) VCF-style: chr12-49447392-C-T.
Other names: short protein forms G236R.
Identifiers: ClinVar variation 2054229 (VCV002054229.3), dbSNP rs1362838443, ClinGen allele CA384681853.